The following is an entry in ClinVar:

NM_017654.4(SAMD9):c.1268A>C (p.Asp423Ala)

Gene: SAMD9 (sterile alpha motif domain containing 9; minus strand). Cytogenetic location: 7q21.2.
Variant type: single nucleotide variant.
Coding change: c.1268A>C on transcript NM_017654.4 (MANE Select); coding-DNA position 1268, A replaced by C.
Protein change: p.Asp423Ala; replaces aspartic acid 423 with alanine.
Molecular consequence: missense variant.
Genome position (GRCh38, 1-based): chr7:93,104,830, T>G on the plus strand (A>C on the coding strand, the complement: SAMD9 is on the minus strand). VCF-style: chr7-93104830-T-G. GRCh37 (hg19) VCF-style: chr7-92734143-T-G.
Other names: c.1268A>C, p.Asp423Ala (NM_001193307.2); short protein forms D423A.
Identifiers: ClinVar variation 5028813 (VCV005028813.1).

ClinVar aggregate classification (germline): Uncertain significance (1 of 4 stars; one submission).

Conditions:
Inborn genetic diseases. Identifiers: MedGen C0950123, MeSH D030342.

Submission:

Ambry Genetics
Classification: Uncertain significance for Inborn genetic diseases. Last evaluated: 2026-08-31. Review status: criteria provided, single submitter. Criteria: Ambry Variant Classification Scheme 2023. Collection method: clinical testing. Allele origin: germline.
Comment: The p.D423A variant (also known as c.1268A>C), located in coding exon 1 of the SAMD9 gene, results from an A to C substitution at nucleotide position 1268. The aspartic acid at codon 423 is replaced by alanine, an amino acid with dissimilar properties. This amino acid position is conserved. In addition, this alteration is predicted to be tolerated by in silico analysis. Based on the available evidence, the clinical significance of this variant remains unclear.